The following is an entry in ClinVar:

ClinVar aggregate classification (germline): Benign/Likely benign. Review status: criteria provided, multiple submitters, no conflicts (2 of 4 stars). 5 submissions from 5 submitters: Benign (1); Likely benign (2). 2 of the submissions do not count toward it. Last evaluated 2026-01-02.

Allele frequency attached by ClinVar (database versions not stated): 1000 Genomes Project 30x 0.00016; 1000 Genomes Project 0.00020; ESP Exome Variant Server 0.00076; gnomAD 0.00082 and 0.00084; gnomAD exomes 0.00084; TOPMed 0.00086; ExAC 0.00090.
gnomAD v4.1: 1,967 of 1,591,528 alleles (0.12%); highest among the groups gnomAD compares: Non-Finnish European, 0.14%; 3 homozygotes.

Submissions (5):

Labcorp Genetics (formerly Invitae), Labcorp
Classification: Benign. Last evaluated: 2026-01-02. Review status: criteria provided, single submitter. Criteria: Invitae Variant Classification Sherloc (09022015). Collection method: clinical testing. Allele origin: germline.

Blueprint Genetics
Classification: Likely benign. Last evaluated: 2024-11-13. Review status: criteria provided, single submitter. Criteria: ACMG Guidelines, 2015. Collection method: clinical testing. Allele origin: germline.

Laboratory for Molecular Medicine, Mass General Brigham Personalized Medicine
Classification: Likely benign. Last evaluated: 2017-08-23. Review status: criteria provided, single submitter. Criteria: LMM Criteria. Collection method: clinical testing. Allele origin: germline. Observed: 1 variant allele.
Comment: p.Ala399Ala in exon 9 of CEP78: This variant is not expected to have clinical si gnificance because it does not alter an amino acid residue and is not located wi thin the splice consensus sequence. It has been identified in 0.15% (76/49724) o f European chromosomes by the Exome Aggregation Consortium (ExAC; dbSNP rs138501486).

Clinical Genetics DNA and cytogenetics Diagnostics Lab, Erasmus MC, Erasmus Medical Center
Classification: Likely benign. Review status: no assertion criteria provided. Collection method: clinical testing. Allele origin: germline. Affected: yes. Study: VKGL Data-share Consensus. Not counted in ClinVar's aggregate classification.

Clinical Genetics, Academic Medical Center
Classification: Likely benign. Review status: no assertion criteria provided. Collection method: clinical testing. Allele origin: germline. Affected: yes. Study: VKGL Data-share Consensus. Not counted in ClinVar's aggregate classification.

NM_001330691.3(CEP78):c.1194A>G (p.Ala398=)

Gene: CEP78 (centrosomal protein 78; plus strand). Cytogenetic location: 9q21.2.
Variant type: single nucleotide variant.
Coding change: c.1194A>G on transcript NM_001330691.3 (MANE Select); coding-DNA position 1194, A replaced by G.
Protein change: p.Ala398=; no amino-acid change (alanine 398 retained).
Molecular consequence: synonymous variant.
Genome position (GRCh38, 1-based): chr9:78,252,032, A>G. VCF-style: chr9-78252032-A-G. GRCh37 (hg19) VCF-style: chr9-80866948-A-G.
Other names: c.1197A>G, p.Ala399= (NM_001098802.3, NM_001349839.2, NM_001349840.2 and 1 more transcripts); c.1194A>G, p.Ala398= (NM_001330693.3, NM_001330694.2, NM_001349838.2).
Identifiers: ClinVar variation 667089 (VCV000667089.17), dbSNP rs138501486, ClinGen allele CA5095166.